The following is an entry in ClinVar:

NM_152419.3(HGSNAT):c.742G>A (p.Gly248Arg)

Gene: HGSNAT (heparan-alpha-glucosaminide N-acetyltransferase; plus strand). Cytogenetic location: 8p11.21.
Variant type: single nucleotide variant.
Coding change: c.742G>A on transcript NM_152419.3 (MANE Select); coding-DNA position 742, G replaced by A.
Protein change: p.Gly248Arg; replaces glycine 248 with arginine.
Molecular consequence: missense variant. On other transcripts: 5 prime UTR variant (1).
Genome position (GRCh38, 1-based): chr8:43,170,693, G>A. VCF-style: chr8-43170693-G-A. GRCh37 (hg19) VCF-style: chr8-43025836-G-A.
Other names: c.742G>A, p.Gly248Arg (NM_001363227.2, NM_001363228.2); c.-92G>A (NM_001363229.2); short protein forms G248R.
Identifiers: ClinVar variation 1802245 (VCV001802245.3), dbSNP rs2486964055, ClinGen allele CA371116272.
Genomic context (GRCh38, chr8:43,170,693, plus strand): 5'-CCAGCAACGTGGCGTCTATCTGCCCTGCCGCCCCGCCTCCGCAGCGTGGACACCTTCAGG[G>A]GGTATGTGGGCCTCCCTGTAGCACAGTGGGTGCAGGTAGTCACAGGACTACATAATTGTA-3'
Protein context (NP_689632.2, residues 238-258): PRLRSVDTFR[Gly248Arg]IALILMVFVN

ClinVar aggregate classification (germline): Likely pathogenic (1 of 4 stars; one submission).

Conditions:
Mucopolysaccharidosis, MPS-III-C (MPS3C). Also called: MUCOPOLYSACCHARIDOSIS, TYPE IIIC; Mucopolysaccharidosis type IIIC (Sanfilippo C); SANFILIPPO SYNDROME C; MPS III C; mucopolysaccharidosis type 3C; MPS IIIC (Sanfilippo Syndrome Type C). Identifiers: Orphanet 581, Orphanet 79271, MedGen C0086649, MONDO:0009657, OMIM 252930.

Allele frequency attached by ClinVar (database versions not stated): gnomAD exomes below 0.00001.
gnomAD v4.1: 1 of 1,590,598 alleles (0.000063%); highest among the groups gnomAD compares: Non-Finnish European, 0.000086%; no homozygotes.

Submission:

Diagnostics Services (NGS), CSIR - Centre For Cellular And Molecular Biology
Classification: Likely pathogenic for Mucopolysaccharidosis, MPS-III-C. Last evaluated: 2022-08-09. Review status: criteria provided, single submitter. Criteria: ACMG Guidelines, 2015. Collection method: clinical testing. Allele origin: unknown. Affected: yes. Observed: 1 variant allele, 1 homozygote.
Comment: This variant is not present in population databases. Algorithms developed to predict the effect of sequence changes on RNA splicing suggest that this variant disrupts the consensus splice site, however these predictions were not confirmed by any published functional studies.